The following is an entry in ClinVar:

NM_000372.5(TYR):c.242C>T (p.Pro81Leu)

Gene: TYR (tyrosinase; plus strand). Cytogenetic location: 11q14.3.
Variant type: single nucleotide variant.
Coding change: c.242C>T on transcript NM_000372.5 (MANE Select); coding-DNA position 242, C replaced by T.
Protein change: p.Pro81Leu; replaces proline 81 with leucine.
Molecular consequence: missense variant.
Genome position (GRCh38, 1-based): chr11:89,178,195, C>T. VCF-style: chr11-89178195-C-T. GRCh37 (hg19) VCF-style: chr11-88911363-C-T.
Other names: short protein forms P81L.
Identifiers: ClinVar variation 3772 (VCV000003772.53), dbSNP rs28940876, ClinGen allele CA227551.

ClinVar aggregate classification (germline): Pathogenic. Review status: criteria provided, multiple submitters, no conflicts (2 of 4 stars). 22 submissions from 22 submitters: Pathogenic (19). 3 of the submissions do not count toward it. Last evaluated 2026-08-26.

Conditions:
Oculocutaneous albinism type 1A (OCA1A). Also called: Albinism, oculocutaneous, type IA. Identifiers: Orphanet 352731, Orphanet 79431, MedGen C4551504, MONDO:0008745, OMIM 203100. Disease mechanism: loss of function.
Oculocutaneous albinism type 1B (OCA1B). Also called: ALBINISM, OCULOCUTANEOUS, TYPE IB; ALBINISM, YELLOW MUTANT TYPE; YELLOW ALBINISM. Identifiers: Orphanet 352731, Orphanet 352737, Orphanet 79434, MedGen C1847024, MONDO:0011749, OMIM 606952.
SKIN/HAIR/EYE PIGMENTATION 3, LIGHT/DARK SKIN (SHEP3). Also called: SKIN/HAIR/EYE PIGMENTATION, VARIATION IN, 3; EYE COLOR 1; EYE COLOR, GREEN/BLUE; SKIN/HAIR/EYE PIGMENTATION 3, BLUE/GREEN EYE COLOR; SKIN/HAIR/EYE PIGMENTATION 3, FRECKLING. Identifiers: MedGen C2677190, OMIM 601800.
TYR-related disorder. Also called: TYR-related condition.
Inborn genetic diseases. Identifiers: MedGen C0950123, MeSH D030342.
Oculocutaneous albinism. Identifiers: Orphanet 55, MedGen C0078918, MONDO:0018910.
Oculocutaneous albinism type 1. Also called: Albinism 1; ALBINISM I. Identifiers: Orphanet 352731, MedGen C0268494, MONDO:0018135. Disease mechanism: loss of function.
Albinism. Identifiers: MedGen C0001916, MONDO:0043209, HP:0001022.
Retinal disorder. Also called: Retinopathies; Retinal Diseases; Retinal disorders; Retinopathy. Identifiers: MedGen C0035309, MONDO:0005283, HP:0000488.

Allele frequency attached by ClinVar (database versions not stated): gnomAD exomes 0.00008 and 0.00022; ExAC 0.00009; gnomAD 0.00016 and 0.00018; TOPMed 0.00018.
gnomAD v4.1: 345 of 1,614,026 alleles (0.021%); highest among the groups gnomAD compares: Non-Finnish European, 0.028%; no homozygotes.

Submissions 1 to 11 of 22:

PreventionGenetics, part of Exact Sciences
Classification: Pathogenic for TYR-related condition. Last evaluated: 2026-08-26. Review status: criteria provided, single submitter. Criteria: ACMG Guidelines, 2015. Collection method: clinical testing. Allele origin: germline.
Comment: The TYR c.242C>T variant is predicted to result in the amino acid substitution p.Pro81Leu. This variant has been reported as causative for oculocutaneous albinism (see for examples: Giebel et al. 1990. PubMed ID: 1970634; Hutton and Spritz 2008. PubMed ID: 18463683). This variant is present in 0.017% of alleles in individuals of European (Non-Finnish) descent in gnomAD. This variant has been classified as pathogenic by multiple independent submitters to the ClinVar database (Variation ID: 3772). Given all the evidence, we interpret this variant as pathogenic.

Victorian Clinical Genetics Services, Murdoch Childrens Research Institute
Classification: Pathogenic for Oculocutaneous albinism type 1. Last evaluated: 2026-04-23. Review status: criteria provided, single submitter. Criteria: ACMG Guidelines, 2015. Collection method: clinical testing. Allele origin: germline. Affected: yes.
Comment: This variant is classified as Pathogenic. Evidence in support of pathogenic classification: Variant is present in gnomAD (v4) <0.01 for a recessive condition (345 heterozygote(s), 0 homozygote(s)); This variant has very strong previous evidence of pathogenicity in unrelated individuals. This variant is one of the most common variants in the TYR gene reported in individuals with OCA1 (PMIDs: 13680365, 18463683, 28451379). Individuals who are homozygous for this variant present with classic OCA1A phenotype (PMID: 1970634); This variant has moderate functional evidence supporting abnormal protein function. Functional studies on patient anagen hairbulbs containing this variant in a homozygous state, showed no pigment and no detectable tyrosine activity (PMID: 1970634); Missense variant consistently predicted to be damaging by multiple in silico tools or highly conserved with a major amino acid change. Additional information: Variant is predicted to result in a missense amino acid change from proline to leucine; This variant is heterozygous; This gene is associated with autosomal recessive disease; An alternative amino acid change at the same position has been observed in gnomAD (v4: 42 heterozygote, 0 homozygotes); Variant is not located in an established domain, motif, hotspot or informative constraint region; Loss of function is a known mechanism of disease in this gene and is associated with oculocutaneous albinism type IA (MIM#203100) and type IB (MIM#606952); Inheritance information for this variant is not currently available in this individual.

CeGaT Center for Human Genetics Tuebingen
Classification: Pathogenic. Last evaluated: 2026-03-01. Review status: criteria provided, single submitter. Criteria: CeGaT Center For Human Genetics Tuebingen Variant Classification Criteria Version 2. Collection method: clinical testing. Allele origin: germline. Affected: yes. Observed: 4 variant alleles.
Comment: TYR: PM3:Very Strong, PM2, PM5, PP4

Labcorp Genetics (formerly Invitae), Labcorp
Classification: Pathogenic. Last evaluated: 2026-01-20. Review status: criteria provided, single submitter. Criteria: Invitae Variant Classification Sherloc (09022015). Collection method: clinical testing. Allele origin: germline.
Comment: This sequence change replaces proline, which is neutral and non-polar, with leucine, which is neutral and non-polar, at codon 81 of the TYR protein (p.Pro81Leu). This variant is present in population databases (rs28940876, gnomAD 0.02%). This missense change has been observed in individual(s) with oculocutaneous albinism (PMID: 1970634, 8434585, 10987646, 29345414). In at least one individual the data is consistent with being in trans (on the opposite chromosome) from a pathogenic variant. It has also been observed to segregate with disease in related individuals. ClinVar contains an entry for this variant (Variation ID: 3772). Invitae Evidence Modeling of protein sequence and biophysical properties (such as structural, functional, and spatial information, amino acid conservation, physicochemical variation, residue mobility, and thermodynamic stability) indicates that this missense variant is expected to disrupt TYR protein function with a positive predictive value of 95%. For these reasons, this variant has been classified as Pathogenic.

Women's Health and Genetics/Laboratory Corporation of America, LabCorp
Classification: Pathogenic for Oculocutaneous albinism. Last evaluated: 2025-10-14. Review status: criteria provided, single submitter. Criteria: LabCorp Variant Classification Summary - May 2015. Collection method: clinical testing. Allele origin: germline.
Comment: Variant summary: TYR c.242C>T (p.Pro81Leu) results in a non-conservative amino acid change in the encoded protein sequence. Algorithms developed to predict the effect of missense changes on protein structure and function all suggest that this variant is likely to be disruptive. The variant allele was found at a frequency of 8.4e-05 in 251066 control chromosomes. This frequency is not significantly higher than estimated for disease-causing variants in TYR, allowing no conclusion about variant significance. c.242C>T has been observed in multiple individuals affected with Oculocutaneous Albinism (e.g. Giebel_1990, Hutton_2008, Oetting_1993). These data indicate that the variant is very likely to be associated with disease. To our knowledge, no experimental evidence demonstrating an impact on protein function has been reported. The following publications have been ascertained in the context of this evaluation (PMID: 1970634, 18463683, 8477259). ClinVar contains an entry for this variant (Variation ID: 3772). Based on the evidence outlined above, the variant was classified as pathogenic.

North West Genomic Laboratory Hub, Manchester University NHS Foundation Trust
Classification: Pathogenic for Retinal disorders. Last evaluated: 2025-07-08. Review status: criteria provided, single submitter. Criteria: ACGS Best Practice Guidelines for Variant Classification in Rare Disease 2020. Collection method: clinical testing. Allele origin: germline. Affected: yes.
Comment: PM2_Mod PM3_VStr PS3_Supp PP3_Supp

Blueprint Genetics
Classification: Pathogenic for TYR-related disorders. Last evaluated: 2024-07-29. Review status: criteria provided, single submitter. Criteria: ACMG Guidelines, 2015. Collection method: clinical testing. Allele origin: germline. Affected: yes. Observed: 5 variant alleles.

Baylor Genetics
Classification: Pathogenic for SKIN/HAIR/EYE PIGMENTATION 3, LIGHT/DARK SKIN. Last evaluated: 2024-03-14. Review status: criteria provided, single submitter. Criteria: ACMG Guidelines, 2015. Collection method: clinical testing. Allele origin: unknown.

Ambry Genetics
Classification: Pathogenic for Inborn genetic diseases. Last evaluated: 2023-10-03. Review status: criteria provided, single submitter. Criteria: Ambry Variant Classification Scheme 2023. Collection method: clinical testing. Allele origin: germline.
Comment: The c.242C>T (p.P81L) alteration is located in exon 1 (coding exon 1) of the TYR gene. This alteration results from a C to T substitution at nucleotide position 242, causing the proline (P) at amino acid position 81 to be replaced by a leucine (L). Based on data from gnomAD, the T allele has an overall frequency of 0.009% (26/282452) total alleles studied. The highest observed frequency was 0.017% (22/128894) of European (non-Finnish) alleles. This variant has been identified homozygous and likely in trans with a TYR second variant in multiple individuals diagnosed with oculocutaneous albinism (Hutton, 2008; Gao, 2017), as well as in a three individuals from a large family (Giebel, 1990). Another alteration at the same codon, c.241C>T (p.P81S), has been described in one individual with oculocutaneous albinism (King, 2003). This amino acid position is highly conserved in available vertebrate species. This alteration is predicted to be deleterious by in silico analysis. Based on the available evidence, this alteration is classified as pathogenic.

GeneDx
Classification: Pathogenic. Last evaluated: 2023-09-26. Review status: criteria provided, single submitter. Criteria: GeneDx Variant Classification Process June 2021. Collection method: clinical testing. Allele origin: germline. Affected: yes.
Comment: In silico analysis supports that this missense variant has a deleterious effect on protein structure/function; This variant is associated with the following publications: (PMID: 10987646, 28451379, 1903591, 13680365, 18326704, 1970634, 31233279, 30609409, 31589614, 32581362, 33808351, 8434585, 37327787, 29345414, 34662886)

Greenwood Genetic Center Diagnostic Laboratories, Greenwood Genetic Center
Classification: Pathogenic for TYR-related disorder. Last evaluated: 2023-07-28. Review status: criteria provided, single submitter. Criteria: ACMG Guidelines, 2015. Collection method: clinical testing. Allele origin: germline. Affected: yes.
Comment: PM2, PM3_VeryStrong, PP1, PP3